The following is an entry in ClinVar:

NM_152383.5(DIS3L2):c.53del (p.Gly18fs)

Gene: DIS3L2 (DIS3 like 3'-5' exoribonuclease 2; plus strand). Cytogenetic location: 2q37.1.
Variant type: Deletion.
Coding change: c.53del on transcript NM_152383.5 (MANE Select); coding-DNA position 53, one base deleted.
Protein change: p.Gly18fs; shifts the reading frame from glycine 18.
Molecular consequence: frameshift variant, splice acceptor variant. On other transcripts: non-coding transcript variant (2).
Genome position: GRCh38 VCF-style: chr2-232015512-AG-A. GRCh37 (hg19) VCF-style: chr2-232880222-AG-A.
Other names: c.53del, p.Gly18fs (NM_001257281.2, NM_001257282.2); short protein forms G18fs.
Identifiers: ClinVar variation 1333539 (VCV001333539.1), dbSNP rs2106221493, ClinGen allele CA2573051894.

ClinVar aggregate classification (germline): Likely pathogenic (1 of 4 stars; one submission).

Conditions:
Perlman syndrome (PRLMNS). Identifiers: Orphanet 2849, MedGen C0796113, MONDO:0009965, OMIM 267000.

Submission:

3billion
Classification: Likely pathogenic for Perlman syndrome. Last evaluated: 2022-01-03. Review status: criteria provided, single submitter. Criteria: ACMG Guidelines, 2015. Collection method: clinical testing. Allele origin: germline. Affected: yes. Observed: 1 homozygote.
Comment: Canonical splice site: predicted to alter splicing and result in a loss or disruption of normal protein function through protein truncation. Multiple pathogenic variants are reported in the predicted truncated region (PVS1_VS).It is not observed in the gnomAD v2.1.1 dataset (PM2_M). Therefore, this variant is classified as likely pathogenic according to the recommendation of ACMG/AMP guideline.